The following is an entry in ClinVar:

ClinVar aggregate classification (germline): Uncertain significance. Review status: criteria provided, multiple submitters, no conflicts (2 of 4 stars). 6 submissions from 6 submitters: Uncertain significance (3). 3 of the submissions do not count toward it. Last evaluated 2023-10-30.

Conditions:
ABCA4-related disorder. Also called: ABCA4-related disorders; ABCA4-related condition. Identifiers: MedGen CN239167.

Allele frequency attached by ClinVar (database versions not stated): gnomAD 0.00003; ExAC 0.00010; gnomAD exomes 0.00010; 1000 Genomes Project 30x 0.00031; 1000 Genomes Project 0.00040; TOPMed 0.00010; ESP Exome Variant Server 0.00023.
gnomAD v4.1: 274 of 1,614,078 alleles (0.017%); highest among the groups gnomAD compares: Middle Eastern, 0.033%; no homozygotes.

Submissions (6):

Blueprint Genetics
Classification: Uncertain significance. Last evaluated: 2023-10-30. Review status: criteria provided, single submitter. Criteria: ACMG Guidelines, 2015. Collection method: clinical testing. Allele origin: germline.

Labcorp Genetics (formerly Invitae), Labcorp
Classification: Uncertain significance. Last evaluated: 2022-08-16. Review status: criteria provided, single submitter. Criteria: Invitae Variant Classification Sherloc (09022015). Collection method: clinical testing. Allele origin: germline.
Comment: This sequence change replaces glutamic acid, which is acidic and polar, with lysine, which is basic and polar, at codon 898 of the ABCA4 protein (p.Glu898Lys). This variant is present in population databases (rs61749441, gnomAD 0.01%). This missense change has been observed in individual(s) with Stargardt disease (PMID: 33261146). ClinVar contains an entry for this variant (Variation ID: 99154). Algorithms developed to predict the effect of missense changes on protein structure and function are either unavailable or do not agree on the potential impact of this missense change (SIFT: "Deleterious"; PolyPhen-2: "Benign"; Align-GVGD: "Class C55"). In summary, the available evidence is currently insufficient to determine the role of this variant in disease. Therefore, it has been classified as a Variant of Uncertain Significance.

Illumina Laboratory Services, Illumina
Classification: Uncertain significance for ABCA4-Related Disorders. Last evaluated: 2017-04-27. Review status: criteria provided, single submitter. Criteria: ICSL Variant Classification Criteria 13 December 2019. Collection method: clinical testing. Allele origin: germline.

Clinical Genetics, Academic Medical Center
Classification: Uncertain significance. Review status: no assertion criteria provided. Collection method: clinical testing. Allele origin: germline. Affected: yes. Study: VKGL Data-share Consensus. Not counted in ClinVar's aggregate classification.

Joint Genome Diagnostic Labs from Nijmegen and Maastricht, Radboudumc and MUMC+
Classification: Uncertain significance. Review status: no assertion criteria provided. Collection method: clinical testing. Allele origin: germline. Affected: yes. Study: VKGL Data-share Consensus. Not counted in ClinVar's aggregate classification.

Retina International
No classification provided. Review status: no classification provided. Collection method: not provided. Allele origin: not provided. Not counted in ClinVar's aggregate classification.

Literature cited by the submitters: PubMed 33261146 (cited by Labcorp Genetics (formerly Invitae), Labcorp).

NM_000350.3(ABCA4):c.2692G>A (p.Glu898Lys)

Gene: ABCA4 (ATP binding cassette subfamily A member 4; minus strand). Cytogenetic location: 1p22.1.
Variant type: single nucleotide variant.
Coding change: c.2692G>A on transcript NM_000350.3 (MANE Select); coding-DNA position 2692, G replaced by A.
Protein change: p.Glu898Lys; replaces glutamic acid 898 with lysine.
Molecular consequence: missense variant.
Genome position (GRCh38, 1-based): chr1:94,048,919, C>T on the plus strand (G>A on the coding strand, the complement: ABCA4 is on the minus strand). VCF-style: chr1-94048919-C-T. GRCh37 (hg19) VCF-style: chr1-94514475-C-T.
Other names: c.2470G>A, p.Glu824Lys (NM_001425324.1); short protein forms E898K, E824K.
Identifiers: ClinVar variation 99154 (VCV000099154.14), dbSNP rs61749441, ClinGen allele CA227023.